The following is an entry in ClinVar:

NM_080680.3(COL11A2):c.731C>T (p.Ala244Val)

Gene: COL11A2 (collagen type XI alpha 2 chain; minus strand). Cytogenetic location: 6p21.32.
Variant type: single nucleotide variant.
Coding change: c.731C>T on transcript NM_080680.3 (MANE Select); coding-DNA position 731, C replaced by T.
Protein change: p.Ala244Val; replaces alanine 244 with valine.
Molecular consequence: missense variant.
Genome position (GRCh38, 1-based): chr6:33,186,694, G>A on the plus strand (C>T on the coding strand, the complement: COL11A2 is on the minus strand). VCF-style: chr6-33186694-G-A. GRCh37 (hg19) VCF-style: chr6-33154471-G-A.
Other names: c.731C>T, p.Ala244Val (NM_001163771.2, NM_080679.3, NM_080681.3); short protein forms A244V.
Identifiers: ClinVar variation 1305209 (VCV001305209.3), dbSNP rs2150612823, ClinGen allele CA363610241.

ClinVar aggregate classification (germline): Uncertain significance (1 of 4 stars; one submission).

Submission:

GeneDx
Classification: Uncertain significance. Last evaluated: 2025-08-06. Review status: criteria provided, single submitter. Criteria: GeneDx Variant Classification Process June 2021. Collection method: clinical testing. Allele origin: germline. Affected: yes.
Comment: Has not been previously published as pathogenic or benign to our knowledge; Not observed at significant frequency in large population cohorts (gnomAD); In silico analysis suggests that this missense variant does not alter protein structure/function